The following is an entry in ClinVar:

NM_001267550.2(TTN):c.47692C>T (p.Arg15898Ter)

Genes: TTN (titin; minus strand), TTN-AS1 (TTN antisense RNA 1; plus strand). Cytogenetic location: 2q31.2.
Variant type: single nucleotide variant.
Coding change: c.47692C>T on transcript NM_001267550.2 (MANE Select); coding-DNA position 47692, C replaced by T.
Protein change: p.Arg15898Ter; replaces arginine 15898 with a stop codon.
Molecular consequence: nonsense.
Genome position (GRCh38, 1-based): chr2:178,617,393, G>A on the plus strand (C>T on the coding strand, the complement: TTN is on the minus strand). VCF-style: chr2-178617393-G-A. GRCh37 (hg19) VCF-style: chr2-179482120-G-A.
Other names: c.42769C>T, p.Arg14257Ter (NM_001256850.1); c.20497C>T, p.Arg6833Ter (NM_003319.4); c.39988C>T, p.Arg13330Ter (NM_133378.4); c.20872C>T, p.Arg6958Ter (NM_133432.3); c.21073C>T, p.Arg7025Ter (NM_133437.4); c.47692C>T (LRG_391t1); short protein forms R15898*, R6833*, R7025*, R13330*, R14257*, R6958*.
Identifiers: ClinVar variation 223371 (VCV000223371.24), dbSNP rs775186117, ClinGen allele CA090279.

ClinVar aggregate classification (germline): Pathogenic/Likely pathogenic. Review status: criteria provided, multiple submitters, no conflicts (2 of 4 stars). 8 submissions from 8 submitters: Pathogenic (1); Likely pathogenic (5). 2 of the submissions do not count toward it. Last evaluated 2025-12-15.

Conditions:
Cardiovascular phenotype. Identifiers: MedGen CN230736.
Autosomal recessive limb-girdle muscular dystrophy type 2J (LGMDR10). Also called: Limb-girdle muscular dystrophy, type 2J; MUSCULAR DYSTROPHY, LIMB-GIRDLE, AUTOSOMAL RECESSIVE 10. Identifiers: Orphanet 140922, MedGen C1837342, MONDO:0012127, OMIM 608807.
Dilated cardiomyopathy 1G (CMD1G). Identifiers: Orphanet 154, MedGen C1858763, MONDO:0011400, OMIM 604145.
Primary dilated cardiomyopathy (DCM). Also called: Dilated Cardiomyopathy. Identifiers: Orphanet 217604, MedGen C0007193, MeSH D002311, MONDO:0005021, HP:0001644. Inheritance: Various modes of inheritance.

Allele frequency attached by ClinVar (database versions not stated): ExAC 0.00002.
gnomAD v4.1: 3 of 1,589,510 alleles (0.00019%); highest among the groups gnomAD compares: East Asian, 0.0023%; no homozygotes.

Submissions (8):

Labcorp Genetics (formerly Invitae), Labcorp
Classification: Likely pathogenic for Dilated cardiomyopathy 1G; Autosomal recessive limb-girdle muscular dystrophy type 2J. Last evaluated: 2025-12-15. Review status: criteria provided, single submitter. Criteria: Invitae Variant Classification Sherloc (09022015). Collection method: clinical testing. Allele origin: germline.
Comment: This sequence change creates a premature translational stop signal (p.Arg15898*) in the TTN gene. While this is not anticipated to result in nonsense mediated decay, it is expected to create a truncated TTN protein. The frequency data for this variant in the population databases is considered unreliable, as metrics indicate poor data quality at this position in the gnomAD database. This premature translational stop signal has been observed in individual(s) with dilated cardiomyopathy (PMID: 25589632, 29961767, 39844436). ClinVar contains an entry for this variant (Variation ID: 223371). This variant is located in the A band of TTN (PMID: 25589632). Truncating variants in this region are significantly overrepresented in patients affected with dilated cardiomyopathy (PMID: 25589632). Truncating variants in this region have also been reported in individuals affected with autosomal recessive centronuclear myopathy (PMID: 23975875). In summary, the currently available evidence indicates that the variant is pathogenic, but additional data are needed to prove that conclusively. Therefore, this variant has been classified as Likely Pathogenic.

Variantyx, Inc.
Classification: Pathogenic for Dilated cardiomyopathy 1G. Last evaluated: 2025-09-30. Review status: criteria provided, single submitter. Criteria: Variantyx Assertion Criteria 2022. Collection method: clinical testing. Allele origin: germline. Inheritance: Autosomal dominant inheritance. Affected: yes.
Comment: This is a nonsense variant in the TTN gene (OMIM: 188840). Pathogenic variants in this gene have been associated with autosomal dominant dilated cardiomyopathy 1G. This variant introduces a premature termination codon in exon 254 out of 363 and is expected to result in loss of function, which is a known disease mechanism for TTN in this disorder PMID: 22335739, 24503780, 27493940) (PVS1). This variant has been reported in at least 2 affected individuals (PMID: 25589632, 29961767) (PS4). It has a 0.0028% maximum allele frequency in non-founder control populations (PM2). Inheritance from an unaffected parent or a parent with unknown affected status has been reported, consistent with incomplete penetrance for autosomal dominant dilated cardiomyopathy 1G (PMID: 23418287, 28045975). Based on the current evidence, this variant is classified as pathogenic for autosomal dominant dilated cardiomyopathy 1G.

Ambry Genetics
Classification: Likely pathogenic for Cardiovascular phenotype. Last evaluated: 2025-03-26. Review status: criteria provided, single submitter. Criteria: Ambry Variant Classification Scheme 2023. Collection method: clinical testing. Allele origin: germline.
Comment: The c.20497C>T (p.R6833*) alteration, located in exon 82 (coding exon 81) of the TTN gene, consists of a C to T substitution at nucleotide position 20497. This changes the amino acid from a arginine (R) to a stop codon at amino acid position 6833. This alteration is expected to result in loss of function by premature protein truncation or nonsense-mediated mRNA decay. The TTN c.20497C>T alteration failed random forest filters in the Genome Aggregation Database (gnomAD). This variant (also referred to as NM_001267550.1:c.47692C>T, p.R15898*) was reported in an individual with features consistent with dilated cardiomyopathy (Roberts, 2015; Minoche, 2019). This exon is located in the A-band region of the N2-B isoform of the titin protein and is constitutively expressed in TTN transcripts (percent spliced in or PSI 100%). Based on the available evidence, this alteration is classified as likely pathogenic.

Revvity Omics, Revvity
Classification: Likely pathogenic. Last evaluated: 2019-08-04. Review status: criteria provided, single submitter. Criteria: ACMG Guidelines, 2015. Collection method: clinical testing. Allele origin: germline.

Cardiovascular Biomedical Research Unit, Royal Brompton & Harefield NHS Foundation Trust
Classification: Likely pathogenic for Primary dilated cardiomyopathy. Last evaluated: 2014-10-08. Review status: criteria provided, single submitter. Criteria: Roberts et al. 2015. Collection method: research. Allele origin: germline. Inheritance: Autosomal dominant inheritance. Affected: yes. Observed: 1 variant allele. Study: Familial DCM.
Comment: In the seven cohorts assessed, TTNtv were found in 14% of ambulant DCM, 22% end-stage or familial DCM, and 2% controls. Heterozygous nonsense, frameshift and canonical splice-disrupting variants found in constitutive and other highly utilised exons are highly likely to be pathogenic when identified in individuals with phenotypically confirmed DCM. TTNtv found incidentally in healthy individuals (excluding familial assessment of DCM relatives) are thought to have low penetrance, particularly when identified in exons that are not constitutively expressed in the heart.

Juno Genomics, Hangzhou Juno Genomics, Inc
Classification: Likely pathogenic for Dilated cardiomyopathy 1G. Review status: criteria provided, single submitter. Criteria: ACMG Guidelines, 2015. Collection method: clinical testing. Allele origin: germline.
Comment: Absent from controls (or at extremely low frequency if recessive) in Genome Aggregation Database.;Null variant in a gene where loss of function (LOF) is a known mechanism of disease.;The prevalence of the variant in affected individuals is significantly increased compared to the prevalence in controls.

Cardiogenetics and Myogenetics Molecular and Cellular Functional Unit, Aphp Sorbonne University-Hopital Pitie Salpetriere
Classification: Likely pathogenic for Dilated cardiomyopathy 1G. Last evaluated: 2024-01-06. Review status: no assertion criteria provided. Collection method: clinical testing. Allele origin: germline. Affected: yes. Not counted in ClinVar's aggregate classification.

KTest Genetics, KTest
Classification: Pathogenic for Dilated cardiomyopathy 1G. Review status: no assertion criteria provided. Criteria: ACMG Guidelines, 2015. Collection method: clinical testing. Allele origin: germline. Affected: yes. Not counted in ClinVar's aggregate classification.

Literature cited by the submitters: PubMed 25589632 (cited by 3 submitters); PubMed 29961767 (cited by 3 submitters); PubMed 39844436 (cited by Labcorp Genetics (formerly Invitae), Labcorp); PubMed 23975875 (cited by Labcorp Genetics (formerly Invitae), Labcorp).